The following is an entry in ClinVar:

ClinVar aggregate classification (germline): Likely pathogenic. Review status: criteria provided, single submitter (1 of 4 stars). 2 submissions from 2 submitters: Likely pathogenic (1). 1 of the submissions does not count toward it. Last evaluated 2025-07-31.

Conditions:
Leber congenital amaurosis 1 (LCA1). Also called: AMAUROSIS CONGENITA OF LEBER I; Congenital absence of the rods and cones; Leber's congenital tapetoretinal degeneration; Leber's congenital tapetoretinal dysplasia; RETINAL BLINDNESS, CONGENITAL. Identifiers: Orphanet 65, MedGen C2931258, MONDO:0008764, OMIM 204000.
Retinal disorder. Also called: Retinal disorders; Retinopathies; Retinal Diseases; Retinopathy. Identifiers: MedGen C0035309, MONDO:0005283, HP:0000488.

Submissions (2):

Genetics Laboratory, Great Ormond Street Hospital NHS Foundation Trust, North Thames Genomic Laboratory Hub
Classification: Likely pathogenic for Retinal disorders. Last evaluated: 2025-07-31. Review status: criteria provided, single submitter. Criteria: ACGS Best Practice Guidelines for Variant Classification in Rare Disease 2024 v1.2. Collection method: clinical testing. Allele origin: germline. Affected: yes.
Comment: PM2_moderate, PP3_supporting, PM3_strong

Laboratory of Genetics in Ophthalmology, Institut Imagine
Classification: Likely pathogenic for Leber congenital amaurosis 1. Review status: no assertion criteria provided. Collection method: research. Allele origin: inherited. Affected: yes. Observed: 1 variant allele. Not counted in ClinVar's aggregate classification.

Literature cited by the submitters: PubMed 27422788 (cited by Laboratory of Genetics in Ophthalmology, Institut Imagine).

NM_000180.4(GUCY2D):c.1211T>C (p.Leu404Pro)

Gene: GUCY2D (guanylate cyclase 2D, retinal; plus strand). Cytogenetic location: 17p13.1.
Variant type: single nucleotide variant.
Coding change: c.1211T>C on transcript NM_000180.4 (MANE Select); coding-DNA position 1211, T replaced by C.
Protein change: p.Leu404Pro; replaces leucine 404 with proline.
Molecular consequence: missense variant.
Genome position (GRCh38, 1-based): chr17:8,006,547, T>C. VCF-style: chr17-8006547-T-C. GRCh37 (hg19) VCF-style: chr17-7909865-T-C.
Other names: short protein forms L404P.
Identifiers: ClinVar variation 974669 (VCV000974669.2), dbSNP rs1975743813, ClinGen allele CA397947966.